The following is an entry in ClinVar:

ClinVar aggregate classification (germline): Uncertain significance (1 of 4 stars; one submission).

Submission:

Labcorp Genetics (formerly Invitae), Labcorp
Classification: Uncertain significance. Last evaluated: 2025-04-29. Review status: criteria provided, single submitter. Criteria: Invitae Variant Classification Sherloc (09022015). Collection method: clinical testing. Allele origin: germline.
Comment: This sequence change replaces alanine, which is neutral and non-polar, with threonine, which is neutral and polar, at codon 161 of the PPP1CB protein (p.Ala161Thr). This variant is not present in population databases (gnomAD no frequency). This variant has not been reported in the literature in individuals affected with PPP1CB-related conditions. Invitae Evidence Modeling of protein sequence and biophysical properties (such as structural, functional, and spatial information, amino acid conservation, physicochemical variation, residue mobility, and thermodynamic stability) indicates that this missense variant is not expected to disrupt PPP1CB protein function with a negative predictive value of 80%. In summary, the available evidence is currently insufficient to determine the role of this variant in disease. Therefore, it has been classified as a Variant of Uncertain Significance.

NM_002709.3(PPP1CB):c.481G>A (p.Ala161Thr)

Gene: PPP1CB (protein phosphatase 1 catalytic subunit beta; plus strand). Cytogenetic location: 2p23.2.
Variant type: single nucleotide variant.
Coding change: c.481G>A on transcript NM_002709.3 (MANE Select); coding-DNA position 481, G replaced by A.
Protein change: p.Ala161Thr; replaces alanine 161 with threonine.
Molecular consequence: missense variant.
Genome position (GRCh38, 1-based): chr2:28,781,803, G>A. VCF-style: chr2-28781803-G-A. GRCh37 (hg19) VCF-style: chr2-29004669-G-A.
Other names: c.481G>A, p.Ala161Thr (NM_206876.2); short protein forms A161T.
Identifiers: ClinVar variation 4746606 (VCV004746606.1).
Genomic context (GRCh38, chr2:28,781,803, plus strand): 5'-CGAAGATTTAATATTAAATTGTGGAAGACCTTCACTGATTGTTTTAACTGTCTGCCTATA[G>A]CAGCCATTGTGGATGAGAAGATCTTCTGTTGTCATGGAGGTAGACTAGTAAATTTGCCTT-3'
Protein context (NP_002700.1, residues 151-171): FTDCFNCLPI[Ala161Thr]AIVDEKIFCC